The following is an entry in ClinVar:

NM_004371.4(COPA):c.2762G>A (p.Cys921Tyr)

Gene: COPA (coat protein complex I subunit alpha; minus strand). Cytogenetic location: 1q23.2.
Variant type: single nucleotide variant.
Coding change: c.2762G>A on transcript NM_004371.4 (MANE Select); coding-DNA position 2762, G replaced by A.
Protein change: p.Cys921Tyr; replaces cysteine 921 with tyrosine.
Molecular consequence: missense variant.
Genome position (GRCh38, 1-based): chr1:160,293,227, C>T on the plus strand (G>A on the coding strand, the complement: COPA is on the minus strand). VCF-style: chr1-160293227-C-T. GRCh37 (hg19) VCF-style: chr1-160263017-C-T.
Other names: c.2789G>A, p.Cys930Tyr (NM_001098398.2); short protein forms C930Y, C921Y.
Identifiers: ClinVar variation 2584808 (VCV002584808.1), dbSNP rs765920287, ClinGen allele CA1197781.

ClinVar aggregate classification (germline): Uncertain significance (1 of 4 stars; one submission).

Conditions:
Autoimmune interstitial lung disease-arthritis syndrome. Also called: Autoinflammation and autoimmunity, systemic, with immune dysregulation. Identifiers: Orphanet 444092, MedGen C5975714, MONDO:0014629.

Allele frequency attached by ClinVar (database versions not stated): gnomAD exomes below 0.00001; ExAC 0.00001; TOPMed 0.00001.
gnomAD v4.1: 2 of 1,614,174 alleles (0.00012%); highest among the groups gnomAD compares: South Asian, 0.0022%; no homozygotes.

Submission:

Neuberg Centre For Genomic Medicine, NCGM
Classification: Uncertain significance for Autoinflammation and autoimmunity with immune dysregulation 1. Review status: criteria provided, single submitter. Criteria: ACMG Guidelines, 2015. Collection method: clinical testing. Allele origin: germline. Inheritance: Autosomal dominant inheritance. Affected: yes.
Comment: The c.2762G>A (p.Cys921Tyr) missense variant in COPA gene has not been reported previously as a pathogenic variant nor as a benign variant, to our knowledge. This variant is reported with the allele frequency (0.0003%) in the gnomAD and novel in 1000 genome database. The amino acid Cys at position 921 is changed to a Tyr changing protein sequence and it might alter its composition and physico-chemical properties. The amino acid change p.Cys921Tyr in COPA is predicted as conserved by GERP++ and PhyloP across 100 vertebrates. For these reasons, this variant has been classified as Variant of Uncertain Significance (VUS).